The following is an entry in ClinVar:

ClinVar aggregate classification (germline): Conflicting classifications of pathogenicity. Review status: criteria provided, conflicting classifications (1 of 4 stars). 2 submissions from 2 submitters: Uncertain significance (1); Likely benign (1). Last evaluated 2024-10-15.

Conditions:
Inborn genetic diseases. Identifiers: MedGen C0950123, MeSH D030342.

Allele frequency attached by ClinVar (database versions not stated): ExAC 0.00001.
gnomAD v4.1: 29 of 1,613,468 alleles (0.0018%); highest among the groups gnomAD compares: Admixed American, 0.022%; no homozygotes.

Submissions (2):

Labcorp Genetics (formerly Invitae), Labcorp
Classification: Uncertain significance. Last evaluated: 2024-10-15. Review status: criteria provided, single submitter. Criteria: Invitae Variant Classification Sherloc (09022015). Collection method: clinical testing. Allele origin: germline.
Comment: This sequence change replaces arginine, which is basic and polar, with glutamine, which is neutral and polar, at codon 1264 of the LAMC3 protein (p.Arg1264Gln). This variant is present in population databases (rs778920875, gnomAD 0.006%). This variant has not been reported in the literature in individuals affected with LAMC3-related conditions. ClinVar contains an entry for this variant (Variation ID: 1422029). An algorithm developed to predict the effect of missense changes on protein structure and function outputs the following: PolyPhen-2: "Benign". The glutamine amino acid residue is found in multiple mammalian species, which suggests that this missense change does not adversely affect protein function. In summary, the available evidence is currently insufficient to determine the role of this variant in disease. Therefore, it has been classified as a Variant of Uncertain Significance.

Ambry Genetics
Classification: Likely benign for Inborn genetic diseases. Last evaluated: 2023-11-03. Review status: criteria provided, single submitter. Criteria: Ambry Variant Classification Scheme 2023. Collection method: clinical testing. Allele origin: germline.

NM_006059.4(LAMC3):c.3791G>A (p.Arg1264Gln)

Gene: LAMC3 (laminin subunit gamma 3; plus strand). Cytogenetic location: 9q34.12.
Variant type: single nucleotide variant.
Coding change: c.3791G>A on transcript NM_006059.4 (MANE Select); coding-DNA position 3791, G replaced by A.
Protein change: p.Arg1264Gln; replaces arginine 1264 with glutamine.
Molecular consequence: missense variant.
Genome position (GRCh38, 1-based): chr9:131,079,162, G>A. VCF-style: chr9-131079162-G-A. GRCh37 (hg19) VCF-style: chr9-133954549-G-A.
Other names: c.3791G>A (NM_006059.3); short protein forms R1264Q.
Identifiers: ClinVar variation 1422029 (VCV001422029.5), dbSNP rs778920875, ClinGen allele CA5287956.